The following is an entry in ClinVar:

ClinVar aggregate classification (germline): Uncertain significance (1 of 4 stars; one submission).

Conditions:
Aortic aneurysm, familial thoracic 6 (AAT6). Also called: FAMILIAL THORACIC AORTIC ANEURYSM WITH LIVEDO RETICULARIS AND IRIS FLOCCULI. Identifiers: MedGen C2673186, MONDO:0012730, OMIM 611788.

Submission:

Labcorp Genetics (formerly Invitae), Labcorp
Classification: Uncertain significance for Aortic aneurysm, familial thoracic 6. Last evaluated: 2022-09-27. Review status: criteria provided, single submitter. Criteria: Invitae Variant Classification Sherloc (09022015). Collection method: clinical testing. Allele origin: germline.
Comment: In summary, the available evidence is currently insufficient to determine the role of this variant in disease. Therefore, it has been classified as a Variant of Uncertain Significance. Advanced modeling of protein sequence and biophysical properties (such as structural, functional, and spatial information, amino acid conservation, physicochemical variation, residue mobility, and thermodynamic stability) performed at Invitae indicates that this missense variant is expected to disrupt ACTA2 protein function. ClinVar contains an entry for this variant (Variation ID: 1469278). This missense change has been observed in individual(s) with clinical features of ACTA2-related conditions (PMID: 25759435). This variant is not present in population databases (gnomAD no frequency). This sequence change replaces tryptophan, which is neutral and slightly polar, with arginine, which is basic and polar, at codon 88 of the ACTA2 protein (p.Trp88Arg).

Literature cited by the submitters: PubMed 25759435.

NM_001613.4(ACTA2):c.262T>C (p.Trp88Arg)

Gene: ACTA2 (actin alpha 2, smooth muscle; minus strand). Cytogenetic location: 10q23.31.
Variant type: single nucleotide variant.
Coding change: c.262T>C on transcript NM_001613.4 (MANE Select); coding-DNA position 262, T replaced by C.
Protein change: p.Trp88Arg; replaces tryptophan 88 with arginine.
Molecular consequence: missense variant.
Genome position (GRCh38, 1-based): chr10:88,943,904, A>G on the plus strand (T>C on the coding strand, the complement: ACTA2 is on the minus strand). VCF-style: chr10-88943904-A-G. GRCh37 (hg19) VCF-style: chr10-90703661-A-G.
Other names: c.262T>C, p.Trp88Arg (NM_001141945.3, NM_001320855.2, NM_001406462.1 and 3 more transcripts); c.133T>C, p.Trp45Arg (NM_001406467.1, NM_001406468.1, NM_001406469.1); short protein forms W88R, W45R.
Identifiers: ClinVar variation 1469278 (VCV001469278.7), dbSNP rs2133261529, ClinGen allele CA377513010.